The following is an entry in ClinVar:

NM_001378454.1(ALMS1):c.2570C>A (p.Ser857Tyr)

Gene: ALMS1 (ALMS1 centrosome and basal body associated protein; plus strand). Cytogenetic location: 2p13.1.
Variant type: single nucleotide variant.
Coding change: c.2570C>A on transcript NM_001378454.1 (MANE Select); coding-DNA position 2570, C replaced by A.
Protein change: p.Ser857Tyr; replaces serine 857 with tyrosine.
Molecular consequence: missense variant.
Genome position (GRCh38, 1-based): chr2:73,449,097, C>A. VCF-style: chr2-73449097-C-A. GRCh37 (hg19) VCF-style: chr2-73676224-C-A.
Other names: c.2573C>A, p.Ser858Tyr (NM_015120.4); short protein forms S858Y, S857Y.
Identifiers: ClinVar variation 2002138 (VCV002002138.4), dbSNP rs538743256, ClinGen allele CA347270566.

ClinVar aggregate classification (germline): Uncertain significance (1 of 4 stars; one submission).

Conditions:
Alstrom syndrome (ALMS). Identifiers: Orphanet 64, MedGen C0268425, MONDO:0008763, OMIM 203800.

Submission:

Labcorp Genetics (formerly Invitae), Labcorp
Classification: Uncertain significance for Alstrom syndrome. Last evaluated: 2022-06-03. Review status: criteria provided, single submitter. Criteria: Invitae Variant Classification Sherloc (09022015). Collection method: clinical testing. Allele origin: germline.
Comment: In summary, the available evidence is currently insufficient to determine the role of this variant in disease. Therefore, it has been classified as a Variant of Uncertain Significance. Experimental studies and prediction algorithms are not available or were not evaluated, and the functional significance of this variant is currently unknown. This variant has not been reported in the literature in individuals affected with ALMS1-related conditions. This variant is not present in population databases (gnomAD no frequency). This sequence change replaces serine, which is neutral and polar, with tyrosine, which is neutral and polar, at codon 858 of the ALMS1 protein (p.Ser858Tyr).